The following is an entry in ClinVar:

ClinVar aggregate classification (germline): Uncertain significance (1 of 4 stars; one submission).

Conditions:
Myofibrillar myopathy 4. Also called: Zaspopathy (type). Identifiers: Orphanet 98912, MedGen C4721886, MONDO:0012277, OMIM 609452.

Allele frequency attached by ClinVar (database versions not stated): gnomAD 0.00001 and 0.00002; gnomAD exomes 0.00001; ExAC 0.00002.
gnomAD v4.1: 10 of 1,549,656 alleles (0.00065%); highest among the groups gnomAD compares: African/African-American, 0.0014%; no homozygotes.

Submission:

Labcorp Genetics (formerly Invitae), Labcorp
Classification: Uncertain significance for Myofibrillar myopathy 4. Last evaluated: 2025-11-11. Review status: criteria provided, single submitter. Criteria: Invitae Variant Classification Sherloc (09022015). Collection method: clinical testing. Allele origin: germline.
Comment: The LDB3 gene has multiple clinically relevant transcripts. This variant occurs in alternate transcript NM_007078.3, and corresponds to NM_001080116.1:c.*17042C>T in the primary transcript. This sequence change replaces proline, which is neutral and non-polar, with serine, which is neutral and polar, at codon 441 of the LDB3 protein (p.Pro441Ser). The frequency data for this variant in the population databases is considered unreliable, as metrics indicate poor data quality at this position in the gnomAD database. This missense change has been observed in individual(s) with idiopathic ventricular fibrillation (PMID: 29032884). This variant is also known as p.Pro446Ser. ClinVar contains an entry for this variant (Variation ID: 429038). Experimental studies and prediction algorithms are not available or were not evaluated, and the functional significance of this variant is currently unknown. In summary, the available evidence is currently insufficient to determine the role of this variant in disease. Therefore, it has been classified as a Variant of Uncertain Significance.

Literature cited by the submitters: PubMed 29032884.

NM_007078.3(LDB3):c.1321C>T (p.Pro441Ser)

Gene: LDB3 (LIM domain binding 3; plus strand). Cytogenetic location: 10q23.2.
Variant type: single nucleotide variant.
Coding change: c.1321C>T on transcript NM_007078.3 (MANE Select); coding-DNA position 1321, C replaced by T.
Protein change: p.Pro441Ser; replaces proline 441 with serine.
Molecular consequence: missense variant.
Genome position (GRCh38, 1-based): chr10:86,716,416, C>T. VCF-style: chr10-86716416-C-T. GRCh37 (hg19) VCF-style: chr10-88476173-C-T.
Other names: c.991C>T, p.Pro331Ser (NM_001080114.2); c.1336C>T, p.Pro446Ser (NM_001171610.2); c.1132C>T, p.Pro378Ser (NM_001368065.1, NM_001368064.1); c.1180C>T, p.Pro394Ser (NM_001368066.1); short protein forms P441S, P446S, P378S, P331S, P394S.
Identifiers: ClinVar variation 429038 (VCV000429038.14), dbSNP rs757728320, ClinGen allele CA5585135.